The following is an entry in ClinVar:

ClinVar aggregate classification (germline): Uncertain significance. Review status: criteria provided, multiple submitters, no conflicts (2 of 4 stars). 2 submissions from 2 submitters: Uncertain significance (2). Last evaluated 2025-03-24.

Conditions:
Hereditary cancer-predisposing syndrome. Also called: Hereditary Cancer Syndrome; Hereditary neoplastic syndrome; Tumor predisposition; Neoplastic Syndromes, Hereditary. Identifiers: Orphanet 140162, MedGen C0027672, MeSH D009386, MONDO:0015356.

gnomAD v4.1: 1 of 1,585,358 alleles (0.000063%); highest among the groups gnomAD compares: African/African-American, 0.0013%; no homozygotes.

Submissions (2):

Ambry Genetics
Classification: Uncertain significance for Hereditary cancer-predisposing syndrome. Last evaluated: 2025-03-24. Review status: criteria provided, single submitter. Criteria: Ambry Variant Classification Scheme 2023. Collection method: clinical testing. Allele origin: germline.
Comment: The p.T774S variant (also known as c.2320A>T), located in coding exon 17 of the MSH3 gene, results from an A to T substitution at nucleotide position 2320. The threonine at codon 774 is replaced by serine, an amino acid with similar properties. This amino acid position is conserved. In addition, the in silico prediction for this alteration is inconclusive. Based on the available evidence, the clinical significance of this variant remains unclear.

Labcorp Genetics (formerly Invitae), Labcorp
Classification: Uncertain significance. Last evaluated: 2022-08-27. Review status: criteria provided, single submitter. Criteria: Invitae Variant Classification Sherloc (09022015). Collection method: clinical testing. Allele origin: germline.
Comment: This sequence change replaces threonine, which is neutral and polar, with serine, which is neutral and polar, at codon 774 of the MSH3 protein (p.Thr774Ser). This variant is not present in population databases (gnomAD no frequency). This variant has not been reported in the literature in individuals affected with MSH3-related conditions. Algorithms developed to predict the effect of missense changes on protein structure and function are either unavailable or do not agree on the potential impact of this missense change (SIFT: "Deleterious"; PolyPhen-2: "Probably Damaging"; Align-GVGD: "Class C0"). In summary, the available evidence is currently insufficient to determine the role of this variant in disease. Therefore, it has been classified as a Variant of Uncertain Significance.

NM_002439.5(MSH3):c.2320A>T (p.Thr774Ser)

Gene: MSH3 (mutS homolog 3; plus strand). Cytogenetic location: 5q14.1.
Variant type: single nucleotide variant.
Coding change: c.2320A>T on transcript NM_002439.5 (MANE Select); coding-DNA position 2320, A replaced by T.
Protein change: p.Thr774Ser; replaces threonine 774 with serine.
Molecular consequence: missense variant.
Genome position (GRCh38, 1-based): chr5:80,778,721, A>T. VCF-style: chr5-80778721-A-T. GRCh37 (hg19) VCF-style: chr5-80074540-A-T.
Other names: c.2320A>T (NM_002439.3); short protein forms T774S.
Identifiers: ClinVar variation 1958425 (VCV001958425.6), dbSNP rs1287961338, ClinGen allele CA360281702.